The following is an entry in ClinVar:

ClinVar aggregate classification (germline): Uncertain significance. Review status: criteria provided, multiple submitters, no conflicts (2 of 4 stars). 2 submissions from 2 submitters: Uncertain significance (2). Last evaluated 2024-06-12.

Conditions:
Myoglobinuria, acute recurrent, autosomal recessive. Also called: MYOGLOBINURIA, FAMILIAL PAROXYSMAL PARALYTIC; RHABDOMYOLYSIS, ACUTE RECURRENT; Myoglobinuria, recurrent, autosomal recessive. Identifiers: Orphanet 99845, MedGen C1849386, MONDO:0009992, OMIM 268200.

Allele frequency attached by ClinVar (database versions not stated): gnomAD 0.00001; TOPMed 0.00001.
gnomAD v4.1: 26 of 1,610,360 alleles (0.0016%); highest among the groups gnomAD compares: Non-Finnish European, 0.0022%; no homozygotes.

Submissions (2):

Fulgent Genetics
Classification: Uncertain significance for Myoglobinuria, acute recurrent, autosomal recessive. Last evaluated: 2024-06-12. Review status: criteria provided, single submitter. Criteria: ACMG Guidelines, 2015. Collection method: clinical testing. Allele origin: germline.

Labcorp Genetics (formerly Invitae), Labcorp
Classification: Uncertain significance. Last evaluated: 2022-05-28. Review status: criteria provided, single submitter. Criteria: Invitae Variant Classification Sherloc (09022015). Collection method: clinical testing. Allele origin: germline.
Comment: This sequence change replaces lysine, which is basic and polar, with glutamic acid, which is acidic and polar, at codon 809 of the LPIN1 protein (p.Lys809Glu). This variant is not present in population databases (gnomAD no frequency). This variant has not been reported in the literature in individuals affected with LPIN1-related conditions. Algorithms developed to predict the effect of missense changes on protein structure and function are either unavailable or do not agree on the potential impact of this missense change (SIFT: "Tolerated"; PolyPhen-2: "Probably Damaging"; Align-GVGD: "Class C0"). In summary, the available evidence is currently insufficient to determine the role of this variant in disease. Therefore, it has been classified as a Variant of Uncertain Significance.

NM_001349206.2(LPIN1):c.2533A>G (p.Lys845Glu)

Gene: LPIN1 (lipin 1; plus strand). Cytogenetic location: 2p25.1.
Variant type: single nucleotide variant.
Coding change: c.2533A>G on transcript NM_001349206.2 (MANE Select); coding-DNA position 2533, A replaced by G.
Protein change: p.Lys845Glu; replaces lysine 845 with glutamic acid.
Molecular consequence: missense variant. On other transcripts: non-coding transcript variant (1).
Genome position (GRCh38, 1-based): chr2:11,820,426, A>G. VCF-style: chr2-11820426-A-G. GRCh37 (hg19) VCF-style: chr2-11960552-A-G.
Other names: c.2443A>G, p.Lys815Glu (NM_001261427.3); c.2680A>G, p.Lys894Glu (NM_001261428.3); c.2425A>G, p.Lys809Glu (NM_001349199.2, NM_145693.4); c.2503A>G, p.Lys835Glu (NM_001349200.2, NM_001349201.2); c.2530A>G, p.Lys844Glu (NM_001349202.2, NM_001349203.2); c.2533A>G, p.Lys845Glu (NM_001349204.2, NM_001349205.2); c.2623A>G, p.Lys875Glu (NM_001349207.2); c.2572A>G, p.Lys858Glu (NM_001349208.2); short protein forms K835E, K875E, K815E, K894E, K844E, K809E, K845E, K858E.
Identifiers: ClinVar variation 2150750 (VCV002150750.2), dbSNP rs759614820, ClinGen allele CA42593160.